The following is an entry in ClinVar:

NM_001098816.3(TENM4):c.4326C>T (p.Ala1442=)

Gene: TENM4 (teneurin transmembrane protein 4; minus strand). Cytogenetic location: 11q14.1.
Variant type: single nucleotide variant.
Coding change: c.4326C>T on transcript NM_001098816.3 (MANE Select); coding-DNA position 4326, C replaced by T.
Protein change: p.Ala1442=; no amino-acid change (alanine 1442 retained).
Molecular consequence: synonymous variant.
Genome position (GRCh38, 1-based): chr11:78,702,287, G>A on the plus strand (C>T on the coding strand, the complement: TENM4 is on the minus strand). VCF-style: chr11-78702287-G-A. GRCh37 (hg19) VCF-style: chr11-78413332-G-A.
Identifiers: ClinVar variation 790847 (VCV000790847.10), dbSNP rs183078972, ClinGen allele CA6206821.

ClinVar aggregate classification (germline): Benign/Likely benign. Review status: criteria provided, multiple submitters, no conflicts (2 of 4 stars). 3 submissions from 3 submitters: Benign (2); Likely benign (1). Last evaluated 2026-04-11.

Conditions:
TENM4-related disorder. Also called: TENM4-related condition.

Allele frequency attached by ClinVar (database versions not stated): gnomAD 0.00170; 1000 Genomes Project 30x 0.00172; TOPMed 0.00182; 1000 Genomes Project 0.00200; gnomAD exomes 0.00133; ExAC 0.00138; ESP Exome Variant Server 0.00145.
gnomAD v4.1: 1,158 of 1,614,016 alleles (0.072%); highest among the groups gnomAD compares: South Asian, 0.7%; 4 homozygotes.

Submissions (3):

PreventionGenetics, part of Exact Sciences
Classification: Benign for TENM4-related condition. Last evaluated: 2026-04-11. Review status: criteria provided, single submitter. Criteria: ACMG Guidelines, 2015. Collection method: clinical testing. Allele origin: germline.
Comment: This variant is classified as benign based on ACMG/AMP sequence variant interpretation guidelines (Richards et al. 2015 PMID: 25741868, with internal and published modifications).

CeGaT Center for Human Genetics Tuebingen
Classification: Likely benign. Last evaluated: 2025-11-01. Review status: criteria provided, single submitter. Criteria: CeGaT Center For Human Genetics Tuebingen Variant Classification Criteria Version 2. Collection method: clinical testing. Allele origin: germline. Affected: yes. Observed: 1 variant allele.
Comment: TENM4: BP4, BP7

Labcorp Genetics (formerly Invitae), Labcorp
Classification: Benign. Last evaluated: 2018-02-09. Review status: criteria provided, single submitter. Criteria: Invitae Variant Classification Sherloc (09022015). Collection method: clinical testing. Allele origin: germline.